The following is an entry in ClinVar:

NM_024675.4(PALB2):c.120A>T (p.Arg40Ser)

Gene: PALB2 (partner and localizer of BRCA2; minus strand). Cytogenetic location: 16p12.2.
Variant type: single nucleotide variant.
Coding change: c.120A>T on transcript NM_024675.4 (MANE Select); coding-DNA position 120, A replaced by T.
Protein change: p.Arg40Ser; replaces arginine 40 with serine.
Molecular consequence: missense variant. On other transcripts: 5 prime UTR variant (8), intron variant (3).
Genome position (GRCh38, 1-based): chr16:23,637,941, T>A on the plus strand (A>T on the coding strand, the complement: PALB2 is on the minus strand). VCF-style: chr16-23637941-T-A. GRCh37 (hg19) VCF-style: chr16-23649262-T-A.
Other names: c.60A>T, p.Arg20Ser (NM_001407296.1); c.120A>T, p.Arg40Ser (NM_001407297.1, NM_001407298.1, NM_001407299.1 and 3 more transcripts); c.-766A>T (NM_001407304.1, NM_001407305.1, NM_001407306.1 and 5 more transcripts); c.48+3169A>T (NM_001407314.1); c.-105+3169A>T (NM_001407313.1, NM_001407312.1); short protein forms R20S, R40S.
Identifiers: ClinVar variation 3413498 (VCV003413498.1).

ClinVar aggregate classification (germline): Uncertain significance (1 of 4 stars; one submission).

Conditions:
Hereditary cancer-predisposing syndrome. Also called: Neoplastic Syndromes, Hereditary; Tumor predisposition; Hereditary Cancer Syndrome; Hereditary neoplastic syndrome. Identifiers: Orphanet 140162, MedGen C0027672, MeSH D009386, MONDO:0015356.

gnomAD v4.1: 3 of 1,613,944 alleles (0.00019%); highest among the groups gnomAD compares: Non-Finnish European, 0.00025%; no homozygotes.

Submission:

Ambry Genetics
Classification: Uncertain significance for Hereditary cancer-predisposing syndrome. Last evaluated: 2024-11-17. Review status: criteria provided, single submitter. Criteria: Ambry Variant Classification Scheme 2023. Collection method: clinical testing. Allele origin: germline.
Comment: The p.R40S variant (also known as c.120A>T), located in coding exon 3 of the PALB2 gene, results from an A to T substitution at nucleotide position 120. The arginine at codon 40 is replaced by serine, an amino acid with dissimilar properties. This amino acid position is conserved. In addition, this alteration is predicted to be tolerated by in silico analysis. Based on the available evidence, the clinical significance of this variant remains unclear.